The following is an entry in ClinVar:

NM_017654.4(SAMD9):c.2755T>A (p.Ser919Thr)

Gene: SAMD9 (sterile alpha motif domain containing 9; minus strand). Cytogenetic location: 7q21.2.
Variant type: single nucleotide variant.
Coding change: c.2755T>A on transcript NM_017654.4 (MANE Select); coding-DNA position 2755, T replaced by A.
Protein change: p.Ser919Thr; replaces serine 919 with threonine.
Molecular consequence: missense variant.
Genome position (GRCh38, 1-based): chr7:93,103,343, A>T on the plus strand (T>A on the coding strand, the complement: SAMD9 is on the minus strand). VCF-style: chr7-93103343-A-T. GRCh37 (hg19) VCF-style: chr7-92732656-A-T.
Other names: c.2755T>A, p.Ser919Thr (NM_001193307.2); short protein forms S919T.
Identifiers: ClinVar variation 2766524 (VCV002766524.3), dbSNP rs2535357431, ClinGen allele CA368189615.

ClinVar aggregate classification (germline): Uncertain significance (1 of 4 stars; one submission).

Submission:

Labcorp Genetics (formerly Invitae), Labcorp
Classification: Uncertain significance. Last evaluated: 2023-10-06. Review status: criteria provided, single submitter. Criteria: Invitae Variant Classification Sherloc (09022015). Collection method: clinical testing. Allele origin: germline.
Comment: This sequence change replaces serine, which is neutral and polar, with threonine, which is neutral and polar, at codon 919 of the SAMD9 protein (p.Ser919Thr). This variant is not present in population databases (gnomAD no frequency). This variant has not been reported in the literature in individuals affected with SAMD9-related conditions. Advanced modeling of protein sequence and biophysical properties (such as structural, functional, and spatial information, amino acid conservation, physicochemical variation, residue mobility, and thermodynamic stability) performed at Invitae indicates that this missense variant is not expected to disrupt SAMD9 protein function. In summary, the available evidence is currently insufficient to determine the role of this variant in disease. Therefore, it has been classified as a Variant of Uncertain Significance.